The following is an entry in ClinVar:

ClinVar aggregate classification (germline): Pathogenic. Review status: criteria provided, multiple submitters, no conflicts (2 of 4 stars). 3 submissions from 2 submitters: Pathogenic (3). Last evaluated 2025-02-10.

Conditions:
Familial cancer of breast. Also called: BREAST CANCER, FAMILIAL; Hereditary breast cancer; hereditary breast carcinoma. Identifiers: Orphanet 227535, MedGen C0346153, MONDO:0016419, OMIM 114480. Disease mechanism: loss of function.
Fanconi anemia complementation group J. Also called: BRIP1-Related Fanconi Anemia. Identifiers: Orphanet 84, MedGen C1836860, MONDO:0012187, OMIM 609054.

Allele frequency attached by ClinVar (database versions not stated): gnomAD exomes below 0.00001.

Submissions (3):

Labcorp Genetics (formerly Invitae), Labcorp
Classification: Pathogenic for Familial cancer of breast; Fanconi anemia complementation group J. Last evaluated: 2025-02-10. Review status: criteria provided, single submitter. Criteria: Invitae Variant Classification Sherloc (09022015). Collection method: clinical testing. Allele origin: germline.
Comment: This sequence change creates a premature translational stop signal (p.Lys297Asnfs*22) in the BRIP1 gene. It is expected to result in an absent or disrupted protein product. Loss-of-function variants in BRIP1 are known to be pathogenic (PMID: 16116423, 17033622, 21964575). This variant is not present in population databases (gnomAD no frequency). This variant has not been reported in the literature in individuals affected with BRIP1-related conditions. ClinVar contains an entry for this variant (Variation ID: 241664). For these reasons, this variant has been classified as Pathogenic.

Myriad Genetics, Inc.
Classification: Pathogenic for Familial cancer of breast. Last evaluated: 2023-06-01. Review status: criteria provided, single submitter. Criteria: Myriad Autosomal Dominant, Autosomal Recessive and X-Linked Classification Criteria (2023). Collection method: clinical testing. Allele origin: unknown.
Comment: This variant is considered pathogenic. This variant creates a frameshift predicted to result in premature protein truncation.

Labcorp Genetics (formerly Invitae), Labcorp
Classification: Pathogenic for Familial cancer of breast. Last evaluated: 2017-05-08. Review status: criteria provided, single submitter. Criteria: Invitae Variant Classification Sherloc (09022015). Collection method: clinical testing. Allele origin: germline.
Comment: This sequence change inserts 1 nucleotide in exon 7 of the BRIP1 mRNA (c.890_891insT), causing a frameshift at codon 297. This creates a premature translational stop signal (p.Lys297Asnfs*22) and is expected to result in an absent or disrupted protein product. While this particular variant has not been reported in the literature, loss-of-function variants in BRIP1 are known to be pathogenic (PMID: 16116423, 17033622, 21964575). For these reasons, this variant has been classified as Pathogenic.

Literature cited by the submitters: PubMed 16116423 (cited by Labcorp Genetics (formerly Invitae), Labcorp); PubMed 17033622 (cited by Labcorp Genetics (formerly Invitae), Labcorp); PubMed 21964575 (cited by Labcorp Genetics (formerly Invitae), Labcorp).

NM_032043.3(BRIP1):c.890_891insT (p.Lys297fs)

Gene: BRIP1 (BRCA1 interacting DNA helicase 1; minus strand). Cytogenetic location: 17q23.2.
Variant type: Insertion.
Coding change: c.890_891insT on transcript NM_032043.3 (MANE Select); coding-DNA positions 890 to 891, T inserted.
Protein change: p.Lys297fs; shifts the reading frame from lysine 297.
Molecular consequence: frameshift variant.
Genome position: GRCh38 VCF-style: chr17-61808494-C-CA. GRCh37 (hg19) VCF-style: chr17-59885855-C-CA.
Other names: short protein forms K297fs.
Identifiers: ClinVar variation 241664 (VCV000241664.10), dbSNP rs878855159, ClinGen allele CA10583637.